The following is an entry in ClinVar:

NM_015189.3(EXOC6B):c.1342A>G (p.Ile448Val)

Gene: EXOC6B (exocyst complex component 6B; minus strand). Cytogenetic location: 2p13.2.
Variant type: single nucleotide variant.
Coding change: c.1342A>G on transcript NM_015189.3 (MANE Select); coding-DNA position 1342, A replaced by G.
Protein change: p.Ile448Val; replaces isoleucine 448 with valine.
Molecular consequence: missense variant. On other transcripts: non-coding transcript variant (2).
Genome position (GRCh38, 1-based): chr2:72,496,555, T>C on the plus strand (A>G on the coding strand, the complement: EXOC6B is on the minus strand). VCF-style: chr2-72496555-T-C. GRCh37 (hg19) VCF-style: chr2-72723684-T-C.
Other names: c.1342A>G, p.Ile448Val (NM_001321729.2, NM_001321730.2, NM_001321731.2 and 1 more transcripts); c.1003A>G, p.Ile335Val (NM_001321734.2); short protein forms I335V, I448V.
Identifiers: ClinVar variation 1991454 (VCV001991454.4), dbSNP rs2467737840, ClinGen allele CA347429679.

ClinVar aggregate classification (germline): Uncertain significance (1 of 4 stars; one submission).

Submission:

Labcorp Genetics (formerly Invitae), Labcorp
Classification: Uncertain significance. Last evaluated: 2022-05-28. Review status: criteria provided, single submitter. Criteria: Invitae Variant Classification Sherloc (09022015). Collection method: clinical testing. Allele origin: germline.
Comment: This variant is not present in population databases (gnomAD no frequency). This sequence change replaces isoleucine, which is neutral and non-polar, with valine, which is neutral and non-polar, at codon 448 of the EXOC6B protein (p.Ile448Val). This variant has not been reported in the literature in individuals affected with EXOC6B-related conditions. Experimental studies and prediction algorithms are not available or were not evaluated, and the functional significance of this variant is currently unknown. In summary, the available evidence is currently insufficient to determine the role of this variant in disease. Therefore, it has been classified as a Variant of Uncertain Significance.